The following is an entry in ClinVar:

ClinVar aggregate classification (germline): Conflicting classifications of pathogenicity. Review status: criteria provided, conflicting classifications (1 of 4 stars). 5 submissions from 5 submitters: Uncertain significance (3); Likely benign (2). Last evaluated 2023-05-19.

Conditions:
Inborn genetic diseases. Identifiers: MedGen C0950123, MeSH D030342.
Congenital stationary night blindness 1E. Also called: Night blindness, congenital stationary (complete), 1E, autosomal recessive. Identifiers: Orphanet 215, MedGen C3281215, MONDO:0013807, OMIM 614565.

Allele frequency attached by ClinVar (database versions not stated): TOPMed 0.00002; gnomAD exomes 0.00004; ExAC 0.00007; gnomAD 0.00008; 1000 Genomes Project 30x 0.00016; 1000 Genomes Project 0.00020.
gnomAD v4.1: 55 of 1,594,034 alleles (0.0035%); highest among the groups gnomAD compares: South Asian, 0.0091%; no homozygotes.

Submissions (5):

Blueprint Genetics
Classification: Likely benign. Last evaluated: 2023-05-19. Review status: criteria provided, single submitter. Criteria: ACMG Guidelines, 2015. Collection method: clinical testing. Allele origin: germline.

Labcorp Genetics (formerly Invitae), Labcorp
Classification: Uncertain significance. Last evaluated: 2022-08-09. Review status: criteria provided, single submitter. Criteria: Invitae Variant Classification Sherloc (09022015). Collection method: clinical testing. Allele origin: germline.
Comment: This sequence change replaces arginine, which is basic and polar, with glutamine, which is neutral and polar, at codon 407 of the GPR179 protein (p.Arg407Gln). In summary, the available evidence is currently insufficient to determine the role of this variant in disease. Therefore, it has been classified as a Variant of Uncertain Significance. Algorithms developed to predict the effect of sequence changes on RNA splicing suggest that this variant may create or strengthen a splice site. Algorithms developed to predict the effect of missense changes on protein structure and function output the following: SIFT: "Tolerated"; PolyPhen-2: "Benign"; Align-GVGD: "Class C0". The glutamine amino acid residue is found in multiple mammalian species, which suggests that this missense change does not adversely affect protein function. ClinVar contains an entry for this variant (Variation ID: 197170). This variant has not been reported in the literature in individuals affected with GPR179-related conditions. The frequency data for this variant in the population databases is considered unreliable, as metrics indicate poor data quality at this position in the gnomAD database.

Ambry Genetics
Classification: Likely benign for Inborn genetic diseases. Last evaluated: 2022-07-22. Review status: criteria provided, single submitter. Criteria: Ambry Variant Classification Scheme 2023. Collection method: clinical testing. Allele origin: germline.

Illumina Laboratory Services, Illumina
Classification: Uncertain significance for Congenital stationary night blindness 1E. Last evaluated: 2018-01-12. Review status: criteria provided, single submitter. Criteria: ICSL Variant Classification Criteria 13 December 2019. Collection method: clinical testing. Allele origin: germline.

Eurofins Ntd Llc (ga)
Classification: Uncertain significance. Last evaluated: 2014-11-07. Review status: criteria provided, single submitter. Criteria: EGL Classification Definitions 2015. Collection method: clinical testing. Allele origin: germline. Observed: 1 variant allele, 1 heterozygote.

NM_001004334.4(GPR179):c.1220G>A (p.Arg407Gln)

Gene: GPR179 (G protein-coupled receptor 179; minus strand). Cytogenetic location: 17q12.
Variant type: single nucleotide variant.
Coding change: c.1220G>A on transcript NM_001004334.4 (MANE Select); coding-DNA position 1220, G replaced by A.
Protein change: p.Arg407Gln; replaces arginine 407 with glutamine.
Molecular consequence: missense variant.
Genome position (GRCh38, 1-based): chr17:38,336,985, C>T on the plus strand (G>A on the coding strand, the complement: GPR179 is on the minus strand). VCF-style: chr17-38336985-C-T. GRCh37 (hg19) VCF-style: chr17-36492868-C-T.
Other names: short protein forms R407Q.
Identifiers: ClinVar variation 197170 (VCV000197170.16), dbSNP rs568763662, ClinGen allele CA245160.